The following is an entry in ClinVar:

NM_000051.4(ATM):c.6205C>G (p.Gln2069Glu)

Genes: ATM (ATM serine/threonine kinase; plus strand), C11orf65 (chromosome 11 open reading frame 65; minus strand). Cytogenetic location: 11q22.3.
Variant type: single nucleotide variant.
Coding change: c.6205C>G on transcript NM_000051.4 (MANE Select); coding-DNA position 6205, C replaced by G.
Protein change: p.Gln2069Glu; replaces glutamine 2069 with glutamic acid.
Molecular consequence: missense variant. On other transcripts: intron variant (2).
Genome position (GRCh38, 1-based): chr11:108,317,379, C>G. VCF-style: chr11-108317379-C-G. GRCh37 (hg19) VCF-style: chr11-108188106-C-G.
Other names: c.6205C>G, p.Gln2069Glu (NM_001351834.2); c.641-8308G>C (NM_001330368.2); c.*39-8308G>C (NM_001351110.2); short protein forms Q2069E.
Identifiers: ClinVar variation 453619 (VCV000453619.14), dbSNP rs1555114563, ClinGen allele CA382551037.

ClinVar aggregate classification (germline): Uncertain significance. Review status: criteria provided, multiple submitters, no conflicts (2 of 4 stars). 2 submissions from 2 submitters: Uncertain significance (2). Last evaluated 2017-03-09.

Conditions:
Hereditary cancer-predisposing syndrome. Also called: Neoplastic Syndromes, Hereditary; Hereditary Cancer Syndrome; Tumor predisposition; Hereditary neoplastic syndrome. Identifiers: Orphanet 140162, MedGen C0027672, MeSH D009386, MONDO:0015356.
Ataxia-telangiectasia syndrome (AT). Also called: LOUIS-BAR SYNDROME; Cerebello-oculocutaneous telangiectasia; Immunodeficiency with ataxia telangiectasia; Ataxia-telangiectasia, complementation group D; AT, COMPLEMENTATION GROUP C; Ataxia-telangiectasia, complementation group E. Identifiers: Orphanet 100, MedGen C0004135, MONDO:0008840, OMIM 208900.

Submissions (2):

Ambry Genetics
Classification: Uncertain significance for Hereditary cancer-predisposing syndrome. Last evaluated: 2017-03-09. Review status: criteria provided, single submitter. Criteria: Ambry Variant Classification Scheme 2023. Collection method: clinical testing. Allele origin: germline.
Comment: The p.Q2069E variant (also known as c.6205C>G), located in coding exon 42 of the ATM gene, results from a C to G substitution at nucleotide position 6205. The glutamine at codon 2069 is replaced by glutamic acid, an amino acid with highly similar properties. This amino acid position is highly conserved in available vertebrate species. In addition, the in silico prediction for this alteration is inconclusive. Since supporting evidence is limited at this time, the clinical significance of this alteration remains unclear.

Labcorp Genetics (formerly Invitae), Labcorp
Classification: Uncertain significance for Ataxia-telangiectasia syndrome. Last evaluated: 2017-02-15. Review status: criteria provided, single submitter. Criteria: Invitae Variant Classification Sherloc (09022015). Collection method: clinical testing. Allele origin: germline.
Comment: In summary, this variant is a novel missense change with uncertain impact on protein function. It has been classified as a Variant of Uncertain Significance. Algorithms developed to predict the effect of missense changes on protein structure and function do not agree on the potential impact of this missense change (SIFT: "Deleterious"; PolyPhen-2: "Benign"; Align-GVGD: "Class C0"). This variant is not present in population databases (ExAC no frequency) and has not been reported in the literature in individuals with a ATM-related disease. This sequence change replaces glutamine with glutamic acid at codon 2069 of the ATM protein (p.Gln2069Glu). The glutamine residue is highly conserved and there is a small physicochemical difference between glutamine and glutamic acid.